The following is an entry in ClinVar:

NM_002857.4(PEX19):c.617A>G (p.His206Arg)

Gene: PEX19 (peroxisomal biogenesis factor 19; minus strand). Cytogenetic location: 1q23.2.
Variant type: single nucleotide variant.
Coding change: c.617A>G on transcript NM_002857.4 (MANE Select); coding-DNA position 617, A replaced by G.
Protein change: p.His206Arg; replaces histidine 206 with arginine.
Molecular consequence: missense variant. On other transcripts: non-coding transcript variant (2).
Genome position (GRCh38, 1-based): chr1:160,280,224, T>C on the plus strand (A>G on the coding strand, the complement: PEX19 is on the minus strand). VCF-style: chr1-160280224-T-C. GRCh37 (hg19) VCF-style: chr1-160250014-T-C.
Other names: c.617A>G, p.His206Arg (NM_001193644.1); short protein forms H206R.
Identifiers: ClinVar variation 1421630 (VCV001421630.6), dbSNP rs761372588, ClinGen allele CA343258181.

ClinVar aggregate classification (germline): Uncertain significance (1 of 4 stars; one submission).

Conditions:
Peroxisome biogenesis disorder 12A (Zellweger). Also called: Peroxisome biogenesis disorder 12A. Identifiers: Orphanet 912, MedGen C3554002, MONDO:0013951, OMIM 614886.

gnomAD v4.1: 9 of 1,613,944 alleles (0.00056%); highest among the groups gnomAD compares: Non-Finnish European, 0.00059%; no homozygotes.

Submission:

Labcorp Genetics (formerly Invitae), Labcorp
Classification: Uncertain significance for Peroxisome biogenesis disorder 12A (Zellweger). Last evaluated: 2026-01-12. Review status: criteria provided, single submitter. Criteria: Invitae Variant Classification Sherloc (09022015). Collection method: clinical testing. Allele origin: germline.
Comment: This sequence change replaces histidine, which is basic and polar, with arginine, which is basic and polar, at codon 206 of the PEX19 protein (p.His206Arg). This variant is present in population databases (no rsID available, gnomAD 0.002%). This variant has not been reported in the literature in individuals affected with PEX19-related conditions. ClinVar contains an entry for this variant (Variation ID: 1421630). Invitae Evidence Modeling of protein sequence and biophysical properties (such as structural, functional, and spatial information, amino acid conservation, physicochemical variation, residue mobility, and thermodynamic stability) indicates that this missense variant is not expected to disrupt PEX19 protein function with a negative predictive value of 80%. In summary, the available evidence is currently insufficient to determine the role of this variant in disease. Therefore, it has been classified as a Variant of Uncertain Significance.